The following is an entry in ClinVar:

NM_002485.5(NBN):c.1301C>G (p.Thr434Ser)

Gene: NBN (nibrin; minus strand). Cytogenetic location: 8q21.3.
Variant type: single nucleotide variant.
Coding change: c.1301C>G on transcript NM_002485.5 (MANE Select); coding-DNA position 1301, C replaced by G.
Protein change: p.Thr434Ser; replaces threonine 434 with serine.
Molecular consequence: missense variant.
Genome position (GRCh38, 1-based): chr8:89,955,379, G>C on the plus strand (C>G on the coding strand, the complement: NBN is on the minus strand). VCF-style: chr8-89955379-G-C. GRCh37 (hg19) VCF-style: chr8-90967607-G-C.
Other names: c.1055C>G, p.Thr352Ser (NM_001024688.3); short protein forms T434S, T352S.
Identifiers: ClinVar variation 461503 (VCV000461503.23), dbSNP rs757452107, ClinGen allele CA371656162.
Genomic context (GRCh38, chr8:89,955,379, plus strand): 5'-GAGTTGGTCTGCTGCTGCTGAGAAGCCCTATCTTTACTTTTATTTATACTTGGCAATTTA[G>C]TTGGTGAAAGCTGATAGTTTGGGATTCTCATCTTAGCCAAAGTATTTGATACCATACTAT-3'
Protein context (NP_002476.2, residues 424-444): MRIPNYQLSP[Thr434Ser]KLPSINKSKD

ClinVar aggregate classification (germline): Uncertain significance. Review status: criteria provided, multiple submitters, no conflicts (2 of 4 stars). 4 submissions from 4 submitters: Uncertain significance (4). Last evaluated 2025-09-28.

Conditions:
Hereditary cancer-predisposing syndrome. Also called: Hereditary neoplastic syndrome; Neoplastic Syndromes, Hereditary; Tumor predisposition; Hereditary Cancer Syndrome. Identifiers: Orphanet 140162, MedGen C0027672, MeSH D009386, MONDO:0015356.
Microcephaly, normal intelligence and immunodeficiency (NBS). Also called: IMMUNODEFICIENCY, MICROCEPHALY, AND CHROMOSOMAL INSTABILITY; SEEMANOVA SYNDROME II; Nijmegen breakage syndrome; Microcephaly with normal intelligence immunodeficiency and lymphoreticular malignancies; Nonsyndromal microcephaly autosomal recessive with normal intelligence; Seemanova syndrome 2. Identifiers: Orphanet 647, MedGen C0398791, MONDO:0009623, OMIM 251260.

gnomAD v4.1: 2 of 1,613,724 alleles (0.00012%); highest among the groups gnomAD compares: Non-Finnish European, 0.00017%; no homozygotes.

Submissions (4):

Ambry Genetics
Classification: Uncertain significance for Hereditary cancer-predisposing syndrome. Last evaluated: 2025-09-28. Review status: criteria provided, single submitter. Criteria: Ambry Variant Classification Scheme 2023. Collection method: clinical testing. Allele origin: germline.
Comment: The p.T434S variant (also known as c.1301C>G), located in coding exon 10 of the NBN gene, results from a C to G substitution at nucleotide position 1301. The threonine at codon 434 is replaced by serine, an amino acid with similar properties. This amino acid position is not well conserved in available vertebrate species. In addition, this alteration is predicted to be tolerated by in silico analysis. Since supporting evidence is limited at this time, the clinical significance of this alteration remains unclear.

Women's Health and Genetics/Laboratory Corporation of America, LabCorp
Classification: Uncertain significance. Last evaluated: 2025-03-03. Review status: criteria provided, single submitter. Criteria: LabCorp Variant Classification Summary - May 2015. Collection method: clinical testing. Allele origin: germline.
Comment: Variant summary: NBN c.1301C>G (p.Thr434Ser) results in a conservative amino acid change in the encoded protein sequence. Five of five in-silico tools predict a benign effect of the variant on protein function. The variant was absent in 251290 control chromosomes. The available data on variant occurrences in the general population are insufficient to allow any conclusion about variant significance. To our knowledge, no occurrence of c.1301C>G in individuals affected with Nijmegen Breakage Syndrome and no experimental evidence demonstrating its impact on protein function have been reported. ClinVar contains an entry for this variant (Variation ID: 461503). Based on the evidence outlined above, the variant was classified as uncertain significance.

Labcorp Genetics (formerly Invitae), Labcorp
Classification: Uncertain significance for Microcephaly, normal intelligence and immunodeficiency. Last evaluated: 2023-09-26. Review status: criteria provided, single submitter. Criteria: Invitae Variant Classification Sherloc (09022015). Collection method: clinical testing. Allele origin: germline.
Comment: This sequence change replaces threonine, which is neutral and polar, with serine, which is neutral and polar, at codon 434 of the NBN protein (p.Thr434Ser). This variant is not present in population databases (gnomAD no frequency). This variant has not been reported in the literature in individuals affected with NBN-related conditions. ClinVar contains an entry for this variant (Variation ID: 461503). Algorithms developed to predict the effect of missense changes on protein structure and function output the following: SIFT: "Not Available"; PolyPhen-2: "Benign"; Align-GVGD: "Not Available". The serine amino acid residue is found in multiple mammalian species, which suggests that this missense change does not adversely affect protein function. In summary, the available evidence is currently insufficient to determine the role of this variant in disease. Therefore, it has been classified as a Variant of Uncertain Significance.

Genome-Nilou Lab
Classification: Uncertain significance for Microcephaly, normal intelligence and immunodeficiency. Last evaluated: 2021-11-07. Review status: criteria provided, single submitter. Criteria: ACMG Guidelines, 2015. Collection method: clinical testing. Allele origin: germline. Affected: no.